The following is an entry in ClinVar:

NM_001292034.3(TAB2):c.1853C>T (p.Ala618Val)

Gene: TAB2 (TGF-beta activated kinase 1 (MAP3K7) binding protein 2; plus strand). Cytogenetic location: 6q25.1.
Variant type: single nucleotide variant.
Coding change: c.1853C>T on transcript NM_001292034.3 (MANE Select); coding-DNA position 1853, C replaced by T.
Protein change: p.Ala618Val; replaces alanine 618 with valine.
Molecular consequence: missense variant.
Genome position (GRCh38, 1-based): chr6:149,398,057, C>T. VCF-style: chr6-149398057-C-T. GRCh37 (hg19) VCF-style: chr6-149719193-C-T.
Other names: c.1757C>T, p.Ala586Val (NM_001292035.3); c.1853C>T, p.Ala618Val (NM_001369506.1, NM_015093.6); short protein forms A618V, A586V.
Identifiers: ClinVar variation 4179278 (VCV004179278.2).

ClinVar aggregate classification (germline): Uncertain significance. Review status: criteria provided, multiple submitters, no conflicts (2 of 4 stars). 2 submissions from 2 submitters: Uncertain significance (2). Last evaluated 2025-07-14.

Conditions:
Inborn genetic diseases. Identifiers: MedGen C0950123, MeSH D030342.

gnomAD v4.1: 2 of 1,613,072 alleles (0.00012%); highest among the groups gnomAD compares: Admixed American, 0.0033%; no homozygotes.

Submissions (2):

Ambry Genetics
Classification: Uncertain significance for Inborn genetic diseases. Last evaluated: 2025-07-14. Review status: criteria provided, single submitter. Criteria: Ambry Variant Classification Scheme 2023. Collection method: clinical testing. Allele origin: germline.

Labcorp Genetics (formerly Invitae), Labcorp
Classification: Uncertain significance. Last evaluated: 2025-04-03. Review status: criteria provided, single submitter. Criteria: Invitae Variant Classification Sherloc (09022015). Collection method: clinical testing. Allele origin: germline.
Comment: This sequence change replaces alanine, which is neutral and non-polar, with valine, which is neutral and non-polar, at codon 618 of the TAB2 protein (p.Ala618Val). This variant is not present in population databases (gnomAD no frequency). This variant has not been reported in the literature in individuals affected with TAB2-related conditions. Invitae Evidence Modeling of protein sequence and biophysical properties (such as structural, functional, and spatial information, amino acid conservation, physicochemical variation, residue mobility, and thermodynamic stability) indicates that this missense variant is not expected to disrupt TAB2 protein function with a negative predictive value of 80%. In summary, the available evidence is currently insufficient to determine the role of this variant in disease. Therefore, it has been classified as a Variant of Uncertain Significance.